The following is an entry in ClinVar:

ClinVar aggregate classification (germline): Uncertain significance. Review status: criteria provided, multiple submitters, no conflicts (2 of 4 stars). 2 submissions from 2 submitters: Uncertain significance (2). Last evaluated 2026-01-01.

Conditions:
Cornelia de Lange syndrome 1 (CDLS1). Also called: TYPUS DEGENERATIVUS AMSTELODAMENSIS; Brachmann de Lange syndrome; NIPBL-Related Cornelia de Lange Syndrome. Identifiers: Orphanet 199, MedGen C4551851, MONDO:0007387, OMIM 122470.

Submissions (2):

CeGaT Center for Human Genetics Tuebingen
Classification: Uncertain significance. Last evaluated: 2026-01-01. Review status: criteria provided, single submitter. Criteria: CeGaT Center For Human Genetics Tuebingen Variant Classification Criteria Version 2. Collection method: clinical testing. Allele origin: germline. Affected: yes. Observed: 1 variant allele.
Comment: NIPBL: PM2, PP2

Illumina Laboratory Services, Illumina
Classification: Uncertain significance for Cornelia de Lange syndrome 1. Last evaluated: 2018-01-13. Review status: criteria provided, single submitter. Criteria: ICSL Variant Classification Criteria 13 December 2019. Collection method: clinical testing. Allele origin: germline.

NM_133433.4(NIPBL):c.7843G>C (p.Val2615Leu)

Gene: NIPBL (NIPBL cohesin loading factor; plus strand). Cytogenetic location: 5p13.2.
Variant type: single nucleotide variant.
Coding change: c.7843G>C on transcript NM_133433.4 (MANE Select); coding-DNA position 7843, G replaced by C.
Protein change: p.Val2615Leu; replaces valine 2615 with leucine.
Molecular consequence: missense variant.
Genome position (GRCh38, 1-based): chr5:37,061,001, G>C. VCF-style: chr5-37061001-G-C. GRCh37 (hg19) VCF-style: chr5-37061103-G-C.
Other names: c.7843G>C, p.Val2615Leu (NM_015384.5); short protein forms V2615L.
Identifiers: ClinVar variation 353389 (VCV000353389.9), dbSNP rs886060560, ClinGen allele CA10624433.